The following is an entry in ClinVar:

NM_004364.5(CEBPA):c.305G>A (p.Gly102Asp)

Gene: CEBPA (CCAAT enhancer binding protein alpha; minus strand). Cytogenetic location: 19q13.11.
Variant type: single nucleotide variant.
Coding change: c.305G>A on transcript NM_004364.5 (MANE Select); coding-DNA position 305, G replaced by A.
Protein change: p.Gly102Asp; replaces glycine 102 with aspartic acid.
Molecular consequence: missense variant. On other transcripts: 5 prime UTR variant (1).
Genome position (GRCh38, 1-based): chr19:33,302,110, C>T on the plus strand (G>A on the coding strand, the complement: CEBPA is on the minus strand). VCF-style: chr19-33302110-C-T. GRCh37 (hg19) VCF-style: chr19-33793016-C-T.
Other names: c.-53G>A (NM_001285829.2); c.410G>A, p.Gly137Asp (NM_001287424.2); c.263G>A, p.Gly88Asp (NM_001287435.2); short protein forms G102D, G88D, G137D.
Identifiers: ClinVar variation 456678 (VCV000456678.10), dbSNP rs1358539228, ClinGen allele CA405275230.

ClinVar aggregate classification (germline): Uncertain significance (1 of 4 stars; one submission).

Conditions:
Acute myeloid leukemia (AML). Also called: Leukemia, acute myeloid, somatic; Leukemia, acute myelogenous, somatic; Acute myeloid leukemia, adult; AML adult; Acute non-lymphocytic leukemia; Acute granulocytic leukemia. Identifiers: Orphanet 519, MedGen C0023467, MeSH D015470, MONDO:0018874, OMIM 601626, HP:0004808. Disease mechanism: Constitutively activated FLT3.

Allele frequency attached by ClinVar (database versions not stated): gnomAD 0.00001; gnomAD exomes 0.00001 and 0.00002; TOPMed 0.00001.
gnomAD v4.1: 4 of 1,340,814 alleles (0.0003%); highest among the groups gnomAD compares: East Asian, 0.0032%; no homozygotes.

Submission:

Labcorp Genetics (formerly Invitae), Labcorp
Classification: Uncertain significance for Acute myeloid leukemia. Last evaluated: 2024-01-13. Review status: criteria provided, single submitter. Criteria: Invitae Variant Classification Sherloc (09022015). Collection method: clinical testing. Allele origin: germline.
Comment: This sequence change replaces glycine, which is neutral and non-polar, with aspartic acid, which is acidic and polar, at codon 102 of the CEBPA protein (p.Gly102Asp). This variant is present in population databases (no rsID available, gnomAD 0.004%). This variant has not been reported in the literature in individuals affected with CEBPA-related conditions. ClinVar contains an entry for this variant (Variation ID: 456678). An algorithm developed to predict the effect of missense changes on protein structure and function (PolyPhen-2) suggests that this variant is likely to be tolerated. In summary, the available evidence is currently insufficient to determine the role of this variant in disease. Therefore, it has been classified as a Variant of Uncertain Significance.